The following is an entry in ClinVar:

NM_001205293.3(CACNA1E):c.2765G>A (p.Arg922Gln)

Gene: CACNA1E (calcium voltage-gated channel subunit alpha1 E; plus strand). Cytogenetic location: 1q25.3.
Variant type: single nucleotide variant.
Coding change: c.2765G>A on transcript NM_001205293.3 (MANE Select); coding-DNA position 2765, G replaced by A.
Protein change: p.Arg922Gln; replaces arginine 922 with glutamine.
Molecular consequence: missense variant.
Genome position (GRCh38, 1-based): chr1:181,732,851, G>A. VCF-style: chr1-181732851-G-A. GRCh37 (hg19) VCF-style: chr1-181701987-G-A.
Other names: c.2765G>A, p.Arg922Gln (NM_000721.4); c.2708G>A, p.Arg903Gln (NM_001205294.2); c.2765G>A (NM_001205293.1); short protein forms R903Q, R922Q.
Identifiers: ClinVar variation 1619291 (VCV001619291.13), dbSNP rs199820931, ClinGen allele CA1275396.

ClinVar aggregate classification (germline): Likely benign. Review status: criteria provided, multiple submitters, no conflicts (2 of 4 stars). 4 submissions from 4 submitters: Likely benign (4). Last evaluated 2026-04-01.

Conditions:
Developmental and epileptic encephalopathy, 69. Also called: EPILEPTIC ENCEPHALOPATHY, EARLY INFANTILE, 69. Identifiers: MedGen C4748988, MONDO:0032657, OMIM 618285.
Inborn genetic diseases. Identifiers: MedGen C0950123, MeSH D030342.

Allele frequency attached by ClinVar (database versions not stated): gnomAD 0.00006; ESP Exome Variant Server 0.00024.
gnomAD v4.1: 43 of 1,613,712 alleles (0.0027%); highest among the groups gnomAD compares: Middle Eastern, 0.066%; no homozygotes.

Submissions (4):

CeGaT Center for Human Genetics Tuebingen
Classification: Likely benign. Last evaluated: 2026-04-01. Review status: criteria provided, single submitter. Criteria: CeGaT Center For Human Genetics Tuebingen Variant Classification Criteria Version 2. Collection method: clinical testing. Allele origin: germline. Affected: yes. Observed: 2 variant alleles.
Comment: CACNA1E: BS2

Labcorp Genetics (formerly Invitae), Labcorp
Classification: Likely benign. Last evaluated: 2025-11-09. Review status: criteria provided, single submitter. Criteria: Invitae Variant Classification Sherloc (09022015). Collection method: clinical testing. Allele origin: germline.

Ambry Genetics
Classification: Likely benign for Inborn genetic diseases. Last evaluated: 2023-05-05. Review status: criteria provided, single submitter. Criteria: Ambry Variant Classification Scheme 2023. Collection method: clinical testing. Allele origin: germline.

Genome-Nilou Lab
Classification: Likely benign for Developmental and epileptic encephalopathy, 69. Last evaluated: 2023-04-11. Review status: criteria provided, single submitter. Criteria: ACMG Guidelines, 2015. Collection method: clinical testing. Allele origin: germline. Affected: no.